The following is an entry in ClinVar:

NM_198535.3(ZNF699):c.237A>T (p.Thr79=)

Gene: ZNF699 (zinc finger protein 699; minus strand). Cytogenetic location: 19p13.2.
Variant type: single nucleotide variant.
Coding change: c.237A>T on transcript NM_198535.3 (MANE Select); coding-DNA position 237, A replaced by T.
Protein change: p.Thr79=; no amino-acid change (threonine 79 retained).
Molecular consequence: synonymous variant.
Genome position (GRCh38, 1-based): chr19:9,297,929, T>A on the plus strand (A>T on the coding strand, the complement: ZNF699 is on the minus strand). VCF-style: chr19-9297929-T-A. GRCh37 (hg19) VCF-style: chr19-9408605-T-A.
Identifiers: ClinVar variation 5038797 (VCV005038797.1).

ClinVar aggregate classification (germline): Likely benign (1 of 4 stars; one submission).

Submission:

CeGaT Center for Human Genetics Tuebingen
Classification: Likely benign. Last evaluated: 2026-07-01. Review status: criteria provided, single submitter. Criteria: CeGaT Center For Human Genetics Tuebingen Variant Classification Criteria Version 2. Collection method: clinical testing. Allele origin: germline. Affected: yes. Observed: 1 variant allele.
Comment: ZNF699: BP4, BP7